The following is an entry in ClinVar:

NM_005592.4(MUSK):c.-82T>C

Gene: MUSK (muscle associated receptor tyrosine kinase; plus strand). Cytogenetic location: 9q31.3.
Variant type: single nucleotide variant.
Coding change: c.-82T>C on transcript NM_005592.4 (MANE Select); 82 bases upstream of the start codon, T replaced by C.
Molecular consequence: 5 prime UTR variant.
Genome position (GRCh38, 1-based): chr9:110,668,823, T>C. VCF-style: chr9-110668823-T-C. GRCh37 (hg19) VCF-style: chr9-113431103-T-C.
Other names: c.-82T>C (NM_001166280.2, NM_001166281.2).
Identifiers: ClinVar variation 364595 (VCV000364595.7), dbSNP rs41279047, ClinGen allele CA10626227.
Genomic context (GRCh38, chr9:110,668,823, plus strand): 5'-TAGAGCCTGTGGAGCTGCTGACACAAACAGTCATTAGCAGACAACCCTTTTGCAACAAAG[T>C]ATGCTTTAAAATGTAAACTGTGGAGCCATTTTCCTTGCGTTGTCCAGAAGGAACTTCGTC-3'

ClinVar aggregate classification (germline): Benign. Review status: criteria provided, multiple submitters, no conflicts (2 of 4 stars). 3 submissions from 3 submitters: Benign (3). Last evaluated 2018-11-05.

Conditions:
Congenital myasthenic syndrome 9. Also called: Myasthenic syndrome, congenital, 9, associated with acetylcholine receptor deficiency. Identifiers: Orphanet 590, MedGen C4225368, MONDO:0014587, OMIM 616325.

Allele frequency attached by ClinVar (database versions not stated): 1000 Genomes Project 0.00739; 1000 Genomes Project 30x 0.00890; TOPMed 0.00967; gnomAD 0.01495 and 0.01527; gnomAD exomes 0.01785.
gnomAD v4.1: 18,738 of 1,082,916 alleles (1.7%); highest among the groups gnomAD compares: Non-Finnish European, 1.7%; 288 homozygotes.

Submissions (3):

GeneDx
Classification: Benign. Last evaluated: 2018-11-05. Review status: criteria provided, single submitter. Criteria: GeneDx Variant Classification Process June 2021. Collection method: clinical testing. Allele origin: germline. Affected: yes.

Illumina Laboratory Services, Illumina
Classification: Benign for Congenital myasthenic syndrome 9. Last evaluated: 2018-01-12. Review status: criteria provided, single submitter. Criteria: ICSL Variant Classification Criteria 13 December 2019. Collection method: clinical testing. Allele origin: germline.
Comment: This variant was observed in the ICSL laboratory as part of a predisposition screen in an ostensibly healthy population. It had not been previously curated by ICSL or reported in the Human Gene Mutation Database (HGMD: prior to June 1st, 2018), and was therefore a candidate for classification through an automated scoring system. Utilizing variant allele frequency, disease prevalence and penetrance estimates, and inheritance mode, an automated score was calculated to assess if this variant is too frequent to cause the disease. Based on the score and internal cut-off values, a variant classified as benign is not then subjected to further curation. The score for this variant resulted in a classification of benign for this disease.

Breakthrough Genomics
Classification: Benign. Review status: criteria provided, single submitter. Criteria: ACMG Guidelines, 2015. Collection method: not provided. Allele origin: germline. Inheritance: Autosomal recessive inheritance. Affected: yes.